The following is an entry in ClinVar:

ClinVar aggregate classification (germline): Benign/Likely benign. Review status: criteria provided, multiple submitters, no conflicts (2 of 4 stars). 10 submissions from 10 submitters: Benign (6); Likely benign (4). Last evaluated 2026-09-01.

Conditions:
Cardiovascular phenotype. Identifiers: MedGen CN230736.
Aortic aneurysm, familial thoracic 10 (AAT10). Identifiers: MedGen C4284414, MONDO:0014950, OMIM 617168.

Allele frequency attached by ClinVar (database versions not stated): gnomAD exomes 0.00906 and 0.00566; 1000 Genomes Project 30x 0.00172; 1000 Genomes Project 0.00180; ExAC 0.00555; TOPMed 0.00580; gnomAD 0.00627 and 0.00640; ESP Exome Variant Server 0.00639.
gnomAD v4.1: 14,142 of 1,613,824 alleles (0.88%); highest among the groups gnomAD compares: Middle Eastern, 1.3%; 73 homozygotes.

Submissions (10):

CeGaT Center for Human Genetics Tuebingen
Classification: Benign. Last evaluated: 2026-09-01. Review status: criteria provided, single submitter. Criteria: CeGaT Center For Human Genetics Tuebingen Variant Classification Criteria Version 2. Collection method: clinical testing. Allele origin: germline. Affected: yes. Observed: 29 variant alleles.
Comment: LOX: BP4, BS1, BS2

Labcorp Genetics (formerly Invitae), Labcorp
Classification: Benign. Last evaluated: 2026-02-04. Review status: criteria provided, single submitter. Criteria: Invitae Variant Classification Sherloc (09022015). Collection method: clinical testing. Allele origin: germline.

ARUP Laboratories, Molecular Genetics and Genomics, ARUP Laboratories
Classification: Benign for Aortic aneurysm, familial thoracic 10. Last evaluated: 2025-07-29. Review status: criteria provided, single submitter. Criteria: ARUP Molecular Germline Variant Investigation Process 2024. Collection method: clinical testing. Allele origin: germline.

Molecular Diagnostic Laboratory for Inherited Cardiovascular Disease, Montreal Heart Institute
Classification: Likely benign. Last evaluated: 2025-04-09. Review status: criteria provided, single submitter. Criteria: ACMG Guidelines, 2015. Collection method: clinical testing. Allele origin: germline. Affected: no.
Comment: BS1;BP4;BP6

Mayo Clinic Laboratories, Mayo Clinic
Classification: Benign. Last evaluated: 2023-04-20. Review status: criteria provided, single submitter. Criteria: ACMG Guidelines, 2015. Collection method: clinical testing. Allele origin: germline. Observed: 7 variant alleles.
Comment: BS1, BS2, BP4

Ambry Genetics
Classification: Likely benign for Cardiovascular phenotype. Last evaluated: 2019-01-18. Review status: criteria provided, single submitter. Criteria: Ambry Variant Classification Scheme 2023. Collection method: clinical testing. Allele origin: germline.

GeneDx
Classification: Benign. Last evaluated: 2018-10-05. Review status: criteria provided, single submitter. Criteria: GeneDx Variant Classification Process June 2021. Collection method: clinical testing. Allele origin: germline. Affected: yes.

Center for Pediatric Genomic Medicine, Children's Mercy Hospital and Clinics
Classification: Likely benign. Last evaluated: 2017-08-10. Review status: criteria provided, single submitter. Criteria: ACMG Guidelines, 2015. Collection method: clinical testing. Allele origin: germline.

Women's Health and Genetics/Laboratory Corporation of America, LabCorp
Classification: Benign. Last evaluated: 2017-07-14. Review status: criteria provided, single submitter. Criteria: LabCorp Variant Classification Summary - May 2015. Collection method: clinical testing. Allele origin: germline.
Comment: Variant summary: The LOX c.476C>A (p.Pro159Gln) variant involves the alteration of a non-conserved nucleotide. 2/3 in silico tools predict a damaging outcome for this variant (SNPsandGO not captured due to low reliability index), however in silico prediction results are not definitive. This variant was found in 659/118824 control chromosomes (4 homozygotes) from ExAC at a frequency of 0.005546, which is approximately 333 times the estimated maximal expected allele frequency of a pathogenic LOX variant (0.0000167), suggesting this variant is likely a benign polymorphism. It has been reported as a polymorphism in literature (De Bonis_2011). Taken together, this variant is classified as benign.

Breakthrough Genomics
Classification: Likely benign. Review status: criteria provided, single submitter. Criteria: ACMG Guidelines, 2015. Collection method: not provided. Allele origin: germline. Inheritance: Autosomal dominant inheritance. Affected: yes.

NM_002317.7(LOX):c.476C>A (p.Pro159Gln)

Genes: LOX (lysyl oxidase; minus strand), SRFBP1 (serum response factor binding protein 1; plus strand). Cytogenetic location: 5q23.1.
Variant type: single nucleotide variant.
Coding change: c.476C>A on transcript NM_002317.7 (MANE Select); coding-DNA position 476, C replaced by A.
Protein change: p.Pro159Gln; replaces proline 159 with glutamine.
Molecular consequence: missense variant.
Genome position (GRCh38, 1-based): chr5:122,077,510, G>T on the plus strand (C>A on the coding strand, the complement: LOX is on the minus strand). VCF-style: chr5-122077510-G-T. GRCh37 (hg19) VCF-style: chr5-121413205-G-T.
Other names: p.Pro159Gln; short protein forms P159Q.
Identifiers: ClinVar variation 445585 (VCV000445585.60), dbSNP rs41407546, ClinGen allele CA3384025.